The following is an entry in ClinVar:

ClinVar aggregate classification (germline): Pathogenic (1 of 4 stars; one submission).

Conditions:
Gastrointestinal stromal tumor. Also called: Gastrointestinal stroma tumor; Gastrointestinal stromal tumor, somatic. Identifiers: Orphanet 44890, MedGen C0238198, MeSH D046152, MONDO:0011719, OMIM 606764, HP:0100723.

Submission:

Labcorp Genetics (formerly Invitae), Labcorp
Classification: Pathogenic for Gastrointestinal stromal tumor. Last evaluated: 2021-06-26. Review status: criteria provided, single submitter. Criteria: Invitae Variant Classification Sherloc (09022015). Collection method: clinical testing. Allele origin: germline.
Comment: This sequence change creates a premature translational stop signal (p.Val335Aspfs*3) in the KIT gene. It is expected to result in an absent or disrupted protein product. Loss-of-function variants in KIT are known to be pathogenic (PMID: 15194144). This variant is not present in population databases (ExAC no frequency). This variant has not been reported in the literature in individuals with KIT-related conditions. For these reasons, this variant has been classified as Pathogenic.

Literature cited by the submitters: PubMed 15194144.

NM_000222.3(KIT):c.1000_1003dup (p.Val335fs)

Gene: KIT (KIT proto-oncogene, receptor tyrosine kinase; plus strand). Cytogenetic location: 4q12.
Variant type: Duplication.
Coding change: c.1000_1003dup on transcript NM_000222.3 (MANE Select); coding-DNA positions 1000 to 1003, 4 bases duplicated (ATTG; older notation c.1000_1003dupATTG).
Protein change: p.Val335fs; shifts the reading frame from valine 335.
Molecular consequence: frameshift variant.
Genome position (GRCh38, 1-based): chr4:54,707,172-54,707,175, ATTG duplicated; duplicating any 4 consecutive bases within chr4:54,707,169-54,707,175 gives the same sequence; the c. name uses the placement nearest the transcript's 3' end. VCF-style (leftmost placement, unchanged base first): chr4-54707168-T-TTTGA. GRCh37 (hg19) VCF-style: chr4-55573334-T-TTTGA.
Other names: c.1000_1003dup, p.Val335fs (NM_001093772.2, NM_001385285.1, NM_001385286.1); c.1003_1006dup, p.Val336fs (NM_001385284.1, NM_001385288.1, NM_001385290.1 and 1 more transcripts); short protein forms V335fs, V336fs.
Identifiers: ClinVar variation 1368363 (VCV001368363.6), dbSNP rs2109705287, ClinGen allele CA2573137849.
Genomic context (GRCh38, chr4:54,707,168, plus strand): 5'-CATTAATATCTTCCCCATGATAAACACTACAGTATTTGTAAACGATGGAGAAAATGTAGA[T>TTTGA]TTGATTGTTGAATATGAAGCATTCCCCAAACCTGAACACCAGCAGTGGATCTATATGAAC-3'